The following is an entry in ClinVar:

NM_001378183.1(PIEZO2):c.4925A>G (p.Gln1642Arg)

Gene: PIEZO2 (piezo type mechanosensitive ion channel component 2; minus strand). Cytogenetic location: 18p11.22.
Variant type: single nucleotide variant.
Coding change: c.4925A>G on transcript NM_001378183.1 (MANE Select); coding-DNA position 4925, A replaced by G.
Protein change: p.Gln1642Arg; replaces glutamine 1642 with arginine.
Molecular consequence: missense variant.
Genome position (GRCh38, 1-based): chr18:10,731,511, T>C on the plus strand (A>G on the coding strand, the complement: PIEZO2 is on the minus strand). VCF-style: chr18-10731511-T-C. GRCh37 (hg19) VCF-style: chr18-10731509-T-C.
Other names: c.4751A>G, p.Gln1584Arg (NM_022068.4); short protein forms Q1584R, Q1642R.
Identifiers: ClinVar variation 1503735 (VCV001503735.8), dbSNP rs2036786931, ClinGen allele CA401915159.

ClinVar aggregate classification (germline): Uncertain significance (1 of 4 stars; one submission).

Allele frequency attached by ClinVar (database versions not stated): TOPMed below 0.00001.

Submission:

Labcorp Genetics (formerly Invitae), Labcorp
Classification: Uncertain significance. Last evaluated: 2021-07-06. Review status: criteria provided, single submitter. Criteria: Invitae Variant Classification Sherloc (09022015). Collection method: clinical testing. Allele origin: germline.
Comment: This sequence change replaces glutamine with arginine at codon 1584 of the PIEZO2 protein (p.Gln1584Arg). The glutamine residue is moderately conserved and there is a small physicochemical difference between glutamine and arginine. This variant is not present in population databases (ExAC no frequency). This variant has not been reported in the literature in individuals affected with PIEZO2-related conditions. Algorithms developed to predict the effect of missense changes on protein structure and function (SIFT, PolyPhen-2, Align-GVGD) all suggest that this variant is likely to be tolerated. In summary, the available evidence is currently insufficient to determine the role of this variant in disease. Therefore, it has been classified as a Variant of Uncertain Significance.